The following is an entry in ClinVar:

NM_006031.6(PCNT):c.1997G>A (p.Arg666Gln)

Gene: PCNT (pericentrin; plus strand). Cytogenetic location: 21q22.3.
Variant type: single nucleotide variant.
Coding change: c.1997G>A on transcript NM_006031.6 (MANE Select); coding-DNA position 1997, G replaced by A.
Protein change: p.Arg666Gln; replaces arginine 666 with glutamine.
Molecular consequence: missense variant.
Genome position (GRCh38, 1-based): chr21:46,357,034, G>A. VCF-style: chr21-46357034-G-A. GRCh37 (hg19) VCF-style: chr21-47776949-G-A.
Other names: c.1643G>A, p.Arg548Gln (NM_001315529.2); short protein forms R666Q, R548Q.
Identifiers: ClinVar variation 4986772 (VCV004986772.1).

ClinVar aggregate classification (germline): Uncertain significance (1 of 4 stars; one submission).

Conditions:
PCNT-related disorder. Also called: PCNT-related condition.

gnomAD v4.1: 7 of 1,614,226 alleles (0.00043%); highest among the groups gnomAD compares: South Asian, 0.0033%; no homozygotes.

Submission:

PreventionGenetics, part of Exact Sciences
Classification: Uncertain significance for PCNT-related condition. Last evaluated: 2024-11-02. Review status: criteria provided, single submitter. Criteria: ACMG Guidelines, 2015. Collection method: clinical testing. Allele origin: germline.
Comment: The PCNT c.1997G>A variant is predicted to result in the amino acid substitution p.Arg666Gln. To our knowledge, this variant has not been reported in the literature. This variant is reported in 0.0098% of alleles in individuals of South Asian descent in gnomAD. At this time, the clinical significance of this variant is uncertain due to the absence of conclusive functional and genetic evidence.